The following is an entry in ClinVar:

ClinVar aggregate classification (germline): Uncertain significance (1 of 4 stars; one submission).

Allele frequency attached by ClinVar (database versions not stated): gnomAD exomes below 0.00001.
gnomAD v4.1: 1 of 1,614,224 alleles (0.000062%); highest among the groups gnomAD compares: Non-Finnish European, 0.000085%; no homozygotes.

Submission:

Labcorp Genetics (formerly Invitae), Labcorp
Classification: Uncertain significance. Last evaluated: 2022-10-13. Review status: criteria provided, single submitter. Criteria: Invitae Variant Classification Sherloc (09022015). Collection method: clinical testing. Allele origin: germline.
Comment: This sequence change replaces methionine, which is neutral and non-polar, with valine, which is neutral and non-polar, at codon 451 of the ACBD5 protein (p.Met451Val). In summary, the available evidence is currently insufficient to determine the role of this variant in disease. Therefore, it has been classified as a Variant of Uncertain Significance. Advanced modeling of protein sequence and biophysical properties (such as structural, functional, and spatial information, amino acid conservation, physicochemical variation, residue mobility, and thermodynamic stability) performed at Invitae indicates that this missense variant is not expected to disrupt ACBD5 protein function. This variant has not been reported in the literature in individuals affected with ACBD5-related conditions. This variant is not present in population databases (gnomAD no frequency).

NM_145698.5(ACBD5):c.1351A>G (p.Met451Val)

Gene: ACBD5 (acyl-CoA binding domain containing 5; minus strand). Cytogenetic location: 10p12.1.
Variant type: single nucleotide variant.
Coding change: c.1351A>G on transcript NM_145698.5 (MANE Select); coding-DNA position 1351, A replaced by G.
Protein change: p.Met451Val; replaces methionine 451 with valine.
Molecular consequence: missense variant.
Genome position (GRCh38, 1-based): chr10:27,208,299, T>C on the plus strand (A>G on the coding strand, the complement: ACBD5 is on the minus strand). VCF-style: chr10-27208299-T-C. GRCh37 (hg19) VCF-style: chr10-27497228-T-C.
Other names: c.1246A>G, p.Met416Val (NM_001352579.2, NM_001042473.4, NM_001352577.2 and 1 more transcripts); c.1192A>G, p.Met398Val (NM_001352580.2); c.1180A>G, p.Met394Val (NM_001352581.1); c.1042A>G, p.Met348Val (NM_001352582.2); c.1024A>G, p.Met342Val (NM_001352583.1, NM_001352584.1, NM_001301251.2 and 2 more transcripts); c.1057A>G, p.Met353Val (NM_001352585.1); c.1174A>G, p.Met392Val (NM_001352586.1); c.1141A>G, p.Met381Val (NM_001352587.1); and 10 more; short protein forms M381V, M383V, M392V, M394V, M416V, M427V, M460V, M274V.
Identifiers: ClinVar variation 2075565 (VCV002075565.4), dbSNP rs2540514166, ClinGen allele CA376373159.
Genomic context (GRCh38, chr10:27,208,299, plus strand): 5'-AGTTTACCTGCAAAGCAGTCAGCGTTTCCAGTTTCTGCAGTCTCTGAAGGACATTCTGCA[T>C]GTCCTCCTGCAGTCTCATCAGCACGAGGGCGATCTGCTCATTGAGGCTGCCTCGGGACCC-3'
Protein context (NP_663736.2, residues 441-461): ALVLMRLQED[Met451Val]QNVLQRLQKL